The following is an entry in ClinVar:

ClinVar aggregate classification (germline): Likely pathogenic (1 of 4 stars; one submission).

Submission:

CeGaT Center for Human Genetics Tuebingen
Classification: Likely pathogenic. Last evaluated: 2022-05-01. Review status: criteria provided, single submitter. Criteria: CeGaT Center For Human Genetics Tuebingen Variant Classification Criteria Version 2. Collection method: clinical testing. Allele origin: germline. Affected: yes. Observed: 4 variant alleles.
Comment: FGA: PVS1:Strong, PM2

NM_021871.4(FGA):c.1827del (p.Ser609fs)

Gene: FGA (fibrinogen alpha chain; minus strand). Cytogenetic location: 4q31.3.
Variant type: Deletion.
Coding change: c.1827del on transcript NM_021871.4 (MANE Select); coding-DNA position 1827, one base deleted (T; older notation c.1827delT).
Protein change: p.Ser609fs; shifts the reading frame from serine 609.
Molecular consequence: frameshift variant.
Genome position (GRCh38, 1-based): chr4:154,585,602, A deleted on the plus strand (T on the coding strand, the reverse complement: FGA is on the minus strand). VCF-style (leftmost placement, unchanged base first): chr4-154585601-CA-C. GRCh37 (hg19) VCF-style: chr4-155506753-CA-C.
Other names: c.1827del, p.Ser609fs (NM_000508.5); short protein forms S609fs.
Identifiers: ClinVar variation 1335568 (VCV001335568.35), dbSNP rs2110808262, ClinGen allele CA2573052307.